The following is an entry in ClinVar:

ClinVar aggregate classification (germline): Benign (1 of 4 stars; one submission).

Conditions:
Lynch syndrome 5 (LYNCH5). Also called: Colorectal cancer, hereditary nonpolyposis, type 5; Hereditary non-polyposis colorectal cancer, type 5. Identifiers: Orphanet 144, MedGen C1833477, MONDO:0013710, OMIM 614350. Disease mechanism: loss of function.

Submission:

Myriad Genetics, Inc.
Classification: Benign for Lynch syndrome 5. Last evaluated: 2024-12-31. Review status: criteria provided, single submitter. Criteria: Myriad Autosomal Dominant, Autosomal Recessive and X-Linked Classification Criteria (2023). Collection method: clinical testing. Allele origin: unknown.
Comment: This variant is considered benign. This variant is a silent/synonymous amino acid change and it is not expected to impact splicing.

NM_000179.3(MSH6):c.2544T>C (p.Thr848=)

Gene: MSH6 (mutS homolog 6; plus strand). Cytogenetic location: 2p16.3.
Variant type: single nucleotide variant.
Coding change: c.2544T>C on transcript NM_000179.3 (MANE Select); coding-DNA position 2544, T replaced by C.
Protein change: p.Thr848=; no amino-acid change (threonine 848 retained).
Molecular consequence: synonymous variant. On other transcripts: non-coding transcript variant (5), intron variant (3).
Genome position (GRCh38, 1-based): chr2:47,800,527, T>C. VCF-style: chr2-47800527-T-C. GRCh37 (hg19) VCF-style: chr2-48027666-T-C.
Other names: c.2154T>C, p.Thr718= (NM_001281492.2); c.1638T>C, p.Thr546= (NM_001281493.2, NM_001281494.2, NM_001406811.1 and 6 more transcripts); c.2640T>C, p.Thr880= (NM_001406795.1, NM_001406802.1); c.2544T>C, p.Thr848= (NM_001406796.1, NM_001406798.1, NM_001406800.1 and 2 more transcripts); c.2247T>C, p.Thr749= (NM_001406797.1, NM_001406801.1, NM_001406805.1 and 10 more transcripts); c.2019T>C, p.Thr673= (NM_001406799.1, NM_001406806.1, NM_001406807.1); c.2466T>C, p.Thr822= (NM_001406804.1); c.2550T>C, p.Thr850= (NM_001406813.1); and 4 more.
Identifiers: ClinVar variation 3903933 (VCV003903933.1).
Genomic context (GRCh38, chr2:47,800,527, plus strand): 5'-TGGGTCTCCCCTGAAGAGTCAGAACCACCCAGACAGCAGGGCTATAATGTATGAAGAAAC[T>C]ACATACAGCAAGAAGAAGATTATTGATTTTCTTTCTGCTCTGGAAGGATTCAAAGTAATG-3'
Protein context (NP_000170.1, residues 838-858): PDSRAIMYEE[Thr848=]TYSKKKIIDF